The following is an entry in ClinVar:

NM_032447.5(FBN3):c.2458C>A (p.Arg820Ser)

Gene: FBN3 (fibrillin 3; minus strand). Cytogenetic location: 19p13.2.
Variant type: single nucleotide variant.
Coding change: c.2458C>A on transcript NM_032447.5 (MANE Select); coding-DNA position 2458, C replaced by A.
Protein change: p.Arg820Ser; replaces arginine 820 with serine.
Molecular consequence: missense variant.
Genome position (GRCh38, 1-based): chr19:8,126,564, G>T on the plus strand (C>A on the coding strand, the complement: FBN3 is on the minus strand). VCF-style: chr19-8126564-G-T. GRCh37 (hg19) VCF-style: chr19-8191448-G-T.
Other names: c.2458C>A, p.Arg820Ser (NM_001321431.2); short protein forms R820S.
Identifiers: ClinVar variation 2420134 (VCV002420134.6), dbSNP rs375116459, ClinGen allele CA403697818.

ClinVar aggregate classification (germline): Uncertain significance (1 of 4 stars; one submission).

gnomAD v4.1: 13 of 1,611,582 alleles (0.00081%); highest among the groups gnomAD compares: African/African-American, 0.015%; no homozygotes.

Submission:

Labcorp Genetics (formerly Invitae), Labcorp
Classification: Uncertain significance. Last evaluated: 2026-01-17. Review status: criteria provided, single submitter. Criteria: Invitae Variant Classification Sherloc (09022015). Collection method: clinical testing. Allele origin: germline.
Comment: This sequence change replaces arginine, which is basic and polar, with serine, which is neutral and polar, at codon 820 of the FBN3 protein (p.Arg820Ser). This variant is present in population databases (no rsID available, gnomAD 0.02%). This variant has not been reported in the literature in individuals affected with FBN3-related conditions. ClinVar contains an entry for this variant (Variation ID: 2420134). Invitae Evidence Modeling of protein sequence and biophysical properties (such as structural, functional, and spatial information, amino acid conservation, physicochemical variation, residue mobility, and thermodynamic stability) has been performed for this missense variant. However, the output from this modeling did not meet the statistical confidence thresholds required to predict the impact of this variant on FBN3 protein function. In summary, the available evidence is currently insufficient to determine the role of this variant in disease. Therefore, it has been classified as a Variant of Uncertain Significance.